The following is an entry in ClinVar:

NM_016098.4(MPC1):c.274C>G (p.Leu92Val)

Gene: MPC1 (mitochondrial pyruvate carrier 1; minus strand). Cytogenetic location: 6q27.
Variant type: single nucleotide variant.
Coding change: c.274C>G on transcript NM_016098.4 (MANE Select); coding-DNA position 274, C replaced by G.
Protein change: p.Leu92Val; replaces leucine 92 with valine.
Molecular consequence: missense variant. On other transcripts: 3 prime UTR variant (1), non-coding transcript variant (4).
Genome position (GRCh38, 1-based): chr6:166,366,005, G>C on the plus strand (C>G on the coding strand, the complement: MPC1 is on the minus strand). VCF-style: chr6-166366005-G-C. GRCh37 (hg19) VCF-style: chr6-166779493-G-C.
Other names: c.145C>G, p.Leu49Val (NM_001270879.2, NM_001376565.1, NM_001376566.1 and 2 more transcripts); c.*11C>G (NM_001376569.1); short protein forms L49V, L92V.
Identifiers: ClinVar variation 2627541 (VCV002627541.1), dbSNP rs2534024396, ClinGen allele CA366398210.

ClinVar aggregate classification (germline): Uncertain significance (1 of 4 stars; one submission).

Conditions:
Mitochondrial pyruvate carrier deficiency (MPYCD). Identifiers: Orphanet 447784, MedGen C3553607, MONDO:0013877, OMIM 614741.

Submission:

Neuberg Centre For Genomic Medicine, NCGM
Classification: Uncertain significance for Mitochondrial pyruvate carrier deficiency. Review status: criteria provided, single submitter. Criteria: ACMG Guidelines, 2015. Collection method: clinical testing. Allele origin: germline. Inheritance: Autosomal recessive inheritance. Affected: yes.
Comment: The missense variant p.L92V in MPC1 (NM_016098.4) has not been reported previously as a pathogenic variant nor as a benign variant, to our knowledge. The p.L92V variant is novel (not in any individuals) in gnomAD Exomes and is novel (not in any individuals) in 1000 Genomes. There is a small physicochemical difference between leucine and valine, which is not likely to impact secondary protein structure as these residues share similar properties. In silico tools are contradictory in their predictions and the residue is conserved across species. For these reasons, this variant has been classified as Uncertain Significance. In the absence of a second reportable variant/CNV the molecular diagnosis of MPC1- related disorder is not confirmed.